The following is an entry in ClinVar:

NM_152703.5(SAMD9L):c.922G>A (p.Asp308Asn)

Gene: SAMD9L (sterile alpha motif domain containing 9 like; minus strand). Cytogenetic location: 7q21.2.
Variant type: single nucleotide variant.
Coding change: c.922G>A on transcript NM_152703.5 (MANE Select); coding-DNA position 922, G replaced by A.
Protein change: p.Asp308Asn; replaces aspartic acid 308 with asparagine.
Molecular consequence: missense variant.
Genome position (GRCh38, 1-based): chr7:93,135,050, C>T on the plus strand (G>A on the coding strand, the complement: SAMD9L is on the minus strand). VCF-style: chr7-93135050-C-T. GRCh37 (hg19) VCF-style: chr7-92764363-C-T.
Other names: c.922G>A, p.Asp308Asn (NM_001303496.3, NM_001303497.3, NM_001303498.3 and 5 more transcripts); short protein forms D308N.
Identifiers: ClinVar variation 1964675 (VCV001964675.5), dbSNP rs1417237014, ClinGen allele CA368199918.

ClinVar aggregate classification (germline): Uncertain significance (1 of 4 stars; one submission).

Submission:

Labcorp Genetics (formerly Invitae), Labcorp
Classification: Uncertain significance. Last evaluated: 2025-03-31. Review status: criteria provided, single submitter. Criteria: Invitae Variant Classification Sherloc (09022015). Collection method: clinical testing. Allele origin: germline.
Comment: This sequence change replaces aspartic acid, which is acidic and polar, with asparagine, which is neutral and polar, at codon 308 of the SAMD9L protein (p.Asp308Asn). This variant is not present in population databases (gnomAD no frequency). This variant has not been reported in the literature in individuals affected with SAMD9L-related conditions. ClinVar contains an entry for this variant (Variation ID: 1964675). An algorithm developed to predict the effect of missense changes on protein structure and function (PolyPhen-2) suggests that this variant is likely to be disruptive. In summary, the available evidence is currently insufficient to determine the role of this variant in disease. Therefore, it has been classified as a Variant of Uncertain Significance.